The following is an entry in ClinVar:

ClinVar aggregate classification (germline): Conflicting classifications of pathogenicity. Review status: criteria provided, conflicting classifications (1 of 4 stars). 3 submissions from 3 submitters: Uncertain significance (1); Likely benign (1). 1 of the submissions does not count toward it. Last evaluated 2025-03-24.

Conditions:
Hereditary cancer-predisposing syndrome. Also called: Neoplastic Syndromes, Hereditary; Tumor predisposition; Hereditary neoplastic syndrome; Hereditary Cancer Syndrome. Identifiers: Orphanet 140162, MedGen C0027672, MeSH D009386, MONDO:0015356.
Bloom syndrome (BLM). Also called: Bloom-Torre-Machacek syndrome. Identifiers: Orphanet 125, MedGen C0005859, MONDO:0008876, OMIM 210900.

Allele frequency attached by ClinVar (database versions not stated): gnomAD exomes below 0.00001; gnomAD 0.00001; TOPMed 0.00001.
gnomAD v4.1: 3 of 1,613,624 alleles (0.00019%); highest among the groups gnomAD compares: Admixed American, 0.0017%; no homozygotes.

Submissions (3):

Labcorp Genetics (formerly Invitae), Labcorp
Classification: Uncertain significance for Bloom syndrome. Last evaluated: 2025-03-24. Review status: criteria provided, single submitter. Criteria: Invitae Variant Classification Sherloc (09022015). Collection method: clinical testing. Allele origin: germline.
Comment: This sequence change replaces aspartic acid, which is acidic and polar, with glutamic acid, which is acidic and polar, at codon 219 of the BLM protein (p.Asp219Glu). This variant is present in population databases (no rsID available, gnomAD 0.0009%). This variant has not been reported in the literature in individuals affected with BLM-related conditions. ClinVar contains an entry for this variant (Variation ID: 566463). An algorithm developed to predict the effect of missense changes on protein structure and function outputs the following: PolyPhen-2: "Benign". The glutamic acid amino acid residue is found in multiple mammalian species, which suggests that this missense change does not adversely affect protein function. In summary, the available evidence is currently insufficient to determine the role of this variant in disease. Therefore, it has been classified as a Variant of Uncertain Significance.

Ambry Genetics
Classification: Likely benign for Hereditary cancer-predisposing syndrome. Last evaluated: 2024-03-14. Review status: criteria provided, single submitter. Criteria: Ambry Variant Classification Scheme 2023. Collection method: clinical testing. Allele origin: germline.

Natera, Inc.
Classification: Uncertain significance for Bloom syndrome. Last evaluated: 2021-01-14. Review status: no assertion criteria provided. Collection method: clinical testing. Allele origin: germline. Not counted in ClinVar's aggregate classification.

NM_000057.4(BLM):c.657T>G (p.Asp219Glu)

Gene: BLM (BLM RecQ like helicase; plus strand). Cytogenetic location: 15q26.1.
Variant type: single nucleotide variant.
Coding change: c.657T>G on transcript NM_000057.4 (MANE Select); coding-DNA position 657, T replaced by G.
Protein change: p.Asp219Glu; replaces aspartic acid 219 with glutamic acid.
Molecular consequence: missense variant. On other transcripts: 5 prime UTR variant (1).
Genome position (GRCh38, 1-based): chr15:90,749,925, T>G. VCF-style: chr15-90749925-T-G. GRCh37 (hg19) VCF-style: chr15-91293155-T-G.
Other names: c.657T>G (NM_000057.2); c.657T>G, p.Asp219Glu (NM_001287246.2, NM_001287247.2); c.-635T>G (NM_001287248.2); short protein forms D219E.
Identifiers: ClinVar variation 566463 (VCV000566463.14), dbSNP rs1447056195, ClinGen allele CA393841270.